The following is an entry in ClinVar:

ClinVar aggregate classification (germline): Conflicting classifications of pathogenicity. Review status: criteria provided, conflicting classifications (1 of 4 stars). 3 submissions from 3 submitters: Likely pathogenic (1); Uncertain significance (1). 1 of the submissions does not count toward it. Last evaluated 2025-09-26.

Conditions:
Factor I deficiency (CFID). Also called: Complement factor I deficiency. Identifiers: Orphanet 200418, MedGen C3463916, MONDO:0012594, OMIM 610984.

Submissions (3):

Genomenon, Inc
Classification: Uncertain significance for Factor I deficiency. Last evaluated: 2025-09-26. Review status: criteria provided, single submitter. Criteria: Genomenon Sequence Variant Interpretation Standards - Updated. Collection method: curation. Allele origin: germline. Affected: yes.
Comment: CFI p.Cys54Trp (c.162C>G) is a missense variant that changes the amino acid at residue 54 from Cysteine to Tryptophan. This variant has been observed in at least one proband affected with complement factor I deficiency (PMID:25988862). It is absent or not present at a significant frequency in gnomAD. The presence of pathogenic/likely pathogenic missense variant(s) at the same amino acid position indicates that this residue is likely important for protein function. In conclusion, we classify CFI p.Cys54Trp (c.162C>G) as a variant of unknown significance.

Center for Genomic Medicine, Rigshospitalet, Copenhagen University Hospital
Classification: Likely pathogenic. Last evaluated: 2025-03-04. Review status: criteria provided, single submitter. Criteria: ACMG Guidelines, 2015. Collection method: clinical testing. Allele origin: germline.

Laboratory of Molecular Medicine, Department of Clinical Immunology, Section 7631, University hospital of Copenhagen, Rigshospitalet
Classification: Pathogenic for Factor I deficiency. Review status: no assertion criteria provided. Collection method: clinical testing. Allele origin: germline, maternal. Affected: yes and no. Observed: 1 heterozygote, 1 homozygote. Segregation with disease observed. Not counted in ClinVar's aggregate classification.

Literature cited by the submitters: PubMed 25988862 (cited by 3 submitters); PubMed 32510551 (cited by Center for Genomic Medicine, Rigshospitalet, Copenhagen University Hospital).

NM_000204.5(CFI):c.162C>G (p.Cys54Trp)

Gene: CFI (complement factor I; minus strand). Cytogenetic location: 4q25.
Variant type: single nucleotide variant.
Coding change: c.162C>G on transcript NM_000204.5 (MANE Select); coding-DNA position 162, C replaced by G.
Protein change: p.Cys54Trp; replaces cysteine 54 with tryptophan.
Molecular consequence: missense variant. On other transcripts: non-coding transcript variant (3), intron variant (1).
Genome position (GRCh38, 1-based): chr4:109,766,720, G>C on the plus strand (C>G on the coding strand, the complement: CFI is on the minus strand). VCF-style: chr4-109766720-G-C. GRCh37 (hg19) VCF-style: chr4-110687876-G-C.
Other names: c.162C>G, p.Cys54Trp (NM_001318057.2, NM_001331035.2, NM_001375278.1 and 5 more transcripts); c.-127-5028C>G (NM_001375284.1); short protein forms C54W.
Identifiers: ClinVar variation 560185 (VCV000560185.4), dbSNP rs1553915717, ClinGen allele CA357865523.